The following is an entry in ClinVar:

ClinVar aggregate classification (germline): Uncertain significance (1 of 4 stars; one submission).

gnomAD v4.1: 3 of 1,614,082 alleles (0.00019%); highest among the groups gnomAD compares: Non-Finnish European, 0.00025%; no homozygotes.

Submission:

Ambry Genetics
Classification: Uncertain significance. Last evaluated: 2024-11-08. Review status: criteria provided, single submitter. Criteria: Ambry Variant Classification Scheme 2023. Collection method: clinical testing. Allele origin: germline.
Comment: The p.S894C variant (also known as c.2680A>T), located in coding exon 1 of the MLH3 gene, results from an A to T substitution at nucleotide position 2680. The serine at codon 894 is replaced by cysteine, an amino acid with dissimilar properties. This amino acid position is conserved. In addition, this alteration is predicted to be tolerated by in silico analysis. Since supporting evidence is limited at this time, the clinical significance of this alteration remains unclear.

NM_001040108.2(MLH3):c.2680A>T (p.Ser894Cys)

Gene: MLH3 (mutL homolog 3; minus strand). Cytogenetic location: 14q24.3.
Variant type: single nucleotide variant.
Coding change: c.2680A>T on transcript NM_001040108.2 (MANE Select); coding-DNA position 2680, A replaced by T.
Protein change: p.Ser894Cys; replaces serine 894 with cysteine.
Molecular consequence: missense variant.
Genome position (GRCh38, 1-based): chr14:75,046,976, T>A on the plus strand (A>T on the coding strand, the complement: MLH3 is on the minus strand). VCF-style: chr14-75046976-T-A. GRCh37 (hg19) VCF-style: chr14-75513679-T-A.
Other names: c.2680A>T, p.Ser894Cys (NM_014381.3); short protein forms S894C.
Identifiers: ClinVar variation 1794681 (VCV001794681.3), dbSNP rs141067131, ClinGen allele CA390439071.